The following is an entry in ClinVar:

NM_003079.5(SMARCE1):c.751C>T (p.Arg251Ter)

Gene: SMARCE1 (SWI/SNF related BAF chromatin remodeling complex subunit E1; minus strand). Cytogenetic location: 17q21.2.
Variant type: single nucleotide variant.
Coding change: c.751C>T on transcript NM_003079.5 (MANE Select); coding-DNA position 751, C replaced by T.
Protein change: p.Arg251Ter; replaces arginine 251 with a stop codon.
Molecular consequence: nonsense.
Genome position (GRCh38, 1-based): chr17:40,631,657, G>A on the plus strand (C>T on the coding strand, the complement: SMARCE1 is on the minus strand). VCF-style: chr17-40631657-G-A. GRCh37 (hg19) VCF-style: chr17-38787909-G-A.
Other names: short protein forms R251*.
Identifiers: ClinVar variation 373044 (VCV000373044.11), dbSNP rs1057518166, ClinGen allele CA16043112.

ClinVar aggregate classification (germline): Pathogenic/Likely pathogenic. Review status: criteria provided, multiple submitters, no conflicts (2 of 4 stars). 4 submissions from 4 submitters: Pathogenic (3); Likely pathogenic (1). Last evaluated 2025-08-07.

Conditions:
Hereditary cancer-predisposing syndrome. Also called: Tumor predisposition; Hereditary neoplastic syndrome; Neoplastic Syndromes, Hereditary; Hereditary Cancer Syndrome. Identifiers: Orphanet 140162, MedGen C0027672, MeSH D009386, MONDO:0015356.
Familial meningioma. Also called: Meningioma, familial, susceptibility to. Identifiers: Orphanet 263662, MedGen C3551915, MONDO:0011789, OMIM 607174.

Allele frequency attached by ClinVar (database versions not stated): gnomAD exomes below 0.00001.
gnomAD v4.1: 1 of 1,610,758 alleles (0.000062%); highest among the groups gnomAD compares: Non-Finnish European, 0.000085%; no homozygotes.

Submissions (4):

Labcorp Genetics (formerly Invitae), Labcorp
Classification: Pathogenic for Familial meningioma. Last evaluated: 2025-08-07. Review status: criteria provided, single submitter. Criteria: Invitae Variant Classification Sherloc (09022015). Collection method: clinical testing. Allele origin: germline.
Comment: This sequence change creates a premature translational stop signal (p.Arg251*) in the SMARCE1 gene. It is expected to result in an absent or disrupted protein product. Loss-of-function variants in SMARCE1 are known to be pathogenic (PMID: 23377182). This variant is not present in population databases (gnomAD no frequency). This variant has not been reported in the literature in individuals affected with SMARCE1-related conditions. ClinVar contains an entry for this variant (Variation ID: 373044). For these reasons, this variant has been classified as Pathogenic.

Ambry Genetics
Classification: Pathogenic for Hereditary cancer-predisposing syndrome. Last evaluated: 2025-04-04. Review status: criteria provided, single submitter. Criteria: Ambry Variant Classification Scheme 2023. Collection method: clinical testing. Allele origin: germline.
Comment: The p.R251* pathogenic mutation (also known as c.751C>T), located in coding exon 8 of the SMARCE1 gene, results from a C to T substitution at nucleotide position 751. This changes the amino acid from an arginine to a stop codon within coding exon 8. This alteration is expected to result in loss of function by premature protein truncation or nonsense-mediated mRNA decay. Loss-of-function variants in SMARCE1 are known to cause increased risk of meningiomas; however, such associations with neurodevelopmental disorders are exceedingly rare (Kosho T et al. Am J Med Genet C Semin Med Genet. 2014 Sep;166C(3):262-75; Smith JM et al. Nat Genet. 2013 Mar;45(3):295-8). Based on the supporting evidence, this alteration is pathogenic for an increased risk of meningiomas; however, the association of this alteration with Coffin-Siris syndrome is unlikely.

Institute for Genomic Medicine (IGM) Clinical Laboratory, Nationwide Children's Hospital
Classification: Likely pathogenic for Familial meningioma. Last evaluated: 2023-10-17. Review status: criteria provided, single submitter. Criteria: ACMG Guidelines, 2015. Collection method: clinical testing. Allele origin: germline.
Comment: This variant is predicted to result in loss of function through nonsense-mediated decay of the encoded transcript or premature truncation of the encoded protein in a gene in which loss of function is a known mechanism of disease (ACMG/AMP: PVS1; PMID:23377182). This variant is absent from or present at an exceedingly low frequency in gnomAD, a large-scale control population database (ACMG/AMP: PM2).

GeneDx
Classification: Pathogenic. Last evaluated: 2016-10-21. Review status: criteria provided, single submitter. Criteria: GeneDx Variant Classification (06012015). Collection method: clinical testing. Allele origin: germline. Affected: yes.
Comment: The R251X variant in the SMARCE1 gene has not been reported previously as a pathogenic variant nor as a benign variant, to our knowledge. This variant is predicted to cause loss of normal protein function either through protein truncation or nonsense-mediated mRNA decay. The R251X variant was not observed in approximately 6500 individuals of European and African American ancestry in the NHLBI Exome Sequencing Project, indicating it is not a common benign variant in these populations. Therefore, we interpret R251X as a pathogenic variant.

Literature cited by the submitters: PubMed 23377182 (cited by Labcorp Genetics (formerly Invitae), Labcorp and Institute for Genomic Medicine (IGM) Clinical Laboratory, Nationwide Children's Hospital).